The following is an entry in ClinVar:

ClinVar aggregate classification (germline): Benign/Likely benign. Review status: criteria provided, multiple submitters, no conflicts (2 of 4 stars). 8 submissions from 8 submitters: Benign (1); Likely benign (6). 1 of the submissions does not count toward it. Last evaluated 2026-01-02.

Conditions:
Isolated Nonsyndromic Congenital Heart Disease.
JAG1-related disorder. Also called: JAG1-related disorders; JAG1-related condition.
Cardiovascular phenotype. Identifiers: MedGen CN230736.
Deafness, congenital heart defects, and posterior embryotoxon (DCHE). Identifiers: MedGen C1866053, MONDO:0060713, OMIM 617992.
Alagille syndrome due to a JAG1 point mutation. Also called: JAG1-Related Alagille Syndrome; HEPATIC DUCTULAR HYPOPLASIA, SYNDROMATIC; Alagille Syndrome 1. Identifiers: Orphanet 261619, Orphanet 52, MedGen C1956125, MONDO:0016862, OMIM 118450.
Charcot-Marie-Tooth disease, axonal, Type 2HH. Also called: CHARCOT-MARIE-TOOTH NEUROPATHY, TYPE 2HH. Identifiers: MedGen C5562003, MONDO:0030458, OMIM 619574.
Tetralogy of Fallot (TOF). Identifiers: Orphanet 3303, MedGen C0039685, MONDO:0008542, OMIM 187500, HP:0001636.

Allele frequency attached by ClinVar (database versions not stated): gnomAD 0.00013 and 0.00019; ExAC 0.00031; TOPMed 0.00032; gnomAD exomes 0.00041; 1000 Genomes Project 30x 0.00047; 1000 Genomes Project 0.00060.
gnomAD v4.1: 366 of 1,614,234 alleles (0.023%); highest among the groups gnomAD compares: East Asian, 0.71%; 2 homozygotes.

Submissions (8):

Labcorp Genetics (formerly Invitae), Labcorp
Classification: Likely benign for Alagille syndrome due to a JAG1 point mutation. Last evaluated: 2026-01-02. Review status: criteria provided, single submitter. Criteria: Invitae Variant Classification Sherloc (09022015). Collection method: clinical testing. Allele origin: germline.

Blueprint Genetics
Classification: Likely benign. Last evaluated: 2024-07-08. Review status: criteria provided, single submitter. Criteria: ACMG Guidelines, 2015. Collection method: clinical testing. Allele origin: germline.

Fulgent Genetics
Classification: Likely benign for Alagille syndrome due to a JAG1 point mutation; Tetralogy of Fallot; Deafness, congenital heart defects, and posterior embryotoxon; Charcot-Marie-Tooth disease, axonal, Type 2HH. Last evaluated: 2022-04-03. Review status: criteria provided, single submitter. Criteria: ACMG Guidelines, 2015. Collection method: clinical testing. Allele origin: unknown.

Ambry Genetics
Classification: Likely benign for Cardiovascular phenotype. Last evaluated: 2018-07-13. Review status: criteria provided, single submitter. Criteria: Ambry Variant Classification Scheme 2023. Collection method: clinical testing. Allele origin: germline.

GeneDx
Classification: Likely benign. Last evaluated: 2018-05-14. Review status: criteria provided, single submitter. Criteria: GeneDx Variant Classification (06012015). Collection method: clinical testing. Allele origin: germline. Affected: yes.
Comment: This variant is considered likely benign or benign based on one or more of the following criteria: it is a conservative change, it occurs at a poorly conserved position in the protein, it is predicted to be benign by multiple in silico algorithms, and/or has population frequency not consistent with disease.

Illumina Laboratory Services, Illumina
Classification: Benign for Isolated Nonsyndromic Congenital Heart Disease. Last evaluated: 2018-01-13. Review status: criteria provided, single submitter. Criteria: ICSL Variant Classification Criteria 13 December 2019. Collection method: clinical testing. Allele origin: germline.
Comment: This variant was observed in the ICSL laboratory as part of a predisposition screen in an ostensibly healthy population. It had not been previously curated by ICSL or reported in the Human Gene Mutation Database (HGMD: prior to June 1st, 2018), and was therefore a candidate for classification through an automated scoring system. Utilizing variant allele frequency, disease prevalence and penetrance estimates, and inheritance mode, an automated score was calculated to assess if this variant is too frequent to cause the disease. Based on the score and internal cut-off values, a variant classified as benign is not then subjected to further curation. The score for this variant resulted in a classification of benign for this disease.

Eurofins Ntd Llc (ga)
Classification: Likely benign. Last evaluated: 2017-08-14. Review status: criteria provided, single submitter. Criteria: EGL Classification Definitions 2015. Collection method: clinical testing. Allele origin: germline. Observed: 1 variant allele, 1 heterozygote.

PreventionGenetics, part of Exact Sciences
Classification: Likely benign for JAG1-related condition. Last evaluated: 2021-06-23. Review status: no assertion criteria provided. Collection method: clinical testing. Allele origin: germline. Not counted in ClinVar's aggregate classification.
Comment: This variant is classified as likely benign based on ACMG/AMP sequence variant interpretation guidelines (Richards et al. 2015 PMID: 25741868, with internal and published modifications).

NM_000214.3(JAG1):c.526G>A (p.Val176Ile)

Gene: JAG1 (jagged canonical Notch ligand 1; minus strand). Cytogenetic location: 20p12.2.
Variant type: single nucleotide variant.
Coding change: c.526G>A on transcript NM_000214.3 (MANE Select); coding-DNA position 526, G replaced by A.
Protein change: p.Val176Ile; replaces valine 176 with isoleucine.
Molecular consequence: missense variant.
Genome position (GRCh38, 1-based): chr20:10,658,636, C>T on the plus strand (G>A on the coding strand, the complement: JAG1 is on the minus strand). VCF-style: chr20-10658636-C-T. GRCh37 (hg19) VCF-style: chr20-10639284-C-T.
Other names: c.526G>A, p.Val176Ile (LRG_1191t1); short protein forms V176I.
Identifiers: ClinVar variation 337758 (VCV000337758.26), dbSNP rs199674138, ClinGen allele CA9765112.
Genomic context (GRCh38, chr20:10,658,636, plus strand): 5'-AGCCAAAGCCATAGTAGTAGTCATCACAGGTCACGCGGATCTGATACTCAAAGTGGGCAA[C>T]GCCCGTGTTCTGCTTCAGCGTCTGCCACTGCCGGCTGGGGTTGATCATGCCCGAGTGAGA-3'
Protein context (NP_000205.1, residues 166-186): QWQTLKQNTG[Val176Ile]AHFEYQIRVT